The following is an entry in ClinVar:

ClinVar aggregate classification (germline): Uncertain significance (1 of 4 stars; one submission).

gnomAD v4.1: 32 of 1,613,904 alleles (0.002%); highest among the groups gnomAD compares: Non-Finnish European, 0.0027%; no homozygotes.

Submission:

Labcorp Genetics (formerly Invitae), Labcorp
Classification: Uncertain significance. Last evaluated: 2024-09-03. Review status: criteria provided, single submitter. Criteria: Invitae Variant Classification Sherloc (09022015). Collection method: clinical testing. Allele origin: germline.
Comment: This sequence change replaces proline, which is neutral and non-polar, with arginine, which is basic and polar, at codon 46 of the TET2 protein (p.Pro46Arg). This variant is present in population databases (rs376009634, gnomAD 0.003%). This variant has not been reported in the literature in individuals affected with TET2-related conditions. An algorithm developed to predict the effect of missense changes on protein structure and function (PolyPhen-2) suggests that this variant¬†is likely to be tolerated. In summary, the available evidence is currently insufficient to determine the role of this variant in disease. Therefore, it has been classified as a Variant of Uncertain Significance.

NM_001127208.3(TET2):c.137C>G (p.Pro46Arg)

Genes: TET2 (tet methylcytosine dioxygenase 2; plus strand), TET2-AS1 (TET2 antisense RNA 1; minus strand). Cytogenetic location: 4q24.
Variant type: single nucleotide variant.
Coding change: c.137C>G on transcript NM_001127208.3 (MANE Select); coding-DNA position 137, C replaced by G.
Protein change: p.Pro46Arg; replaces proline 46 with arginine.
Molecular consequence: missense variant.
Genome position (GRCh38, 1-based): chr4:105,234,079, C>G. VCF-style: chr4-105234079-C-G. GRCh37 (hg19) VCF-style: chr4-106155236-C-G.
Other names: c.137C>G, p.Pro46Arg (NM_017628.4); short protein forms P46R.
Identifiers: ClinVar variation 3715832 (VCV003715832.1).